The following is an entry in ClinVar:

NM_016363.5(GP6):c.611-1G>A

Gene: GP6 (glycoprotein VI platelet; minus strand). Cytogenetic location: 19q13.42.
Variant type: single nucleotide variant.
Coding change: c.611-1G>A on transcript NM_016363.5 (MANE Select); the canonical splice acceptor site of the intron before coding-DNA position 611, G replaced by A.
Molecular consequence: splice acceptor variant. On other transcripts: intron variant (1).
Genome position (GRCh38, 1-based): chr19:55,025,272, C>T on the plus strand (G>A on the coding strand, the complement: GP6 is on the minus strand). VCF-style: chr19-55025272-C-T. GRCh37 (hg19) VCF-style: chr19-55536640-C-T.
Other names: c.610+2306G>A (NM_001256017.2); c.611-1G>A (NM_001083899.2).
Identifiers: ClinVar variation 3712998 (VCV003712998.2).

ClinVar aggregate classification (germline): Likely pathogenic (1 of 4 stars; one submission).

gnomAD v4.1: 17 of 1,540,530 alleles (0.0011%); highest among the groups gnomAD compares: Admixed American, 0.002%; 1 homozygote.

Submission:

Labcorp Genetics (formerly Invitae), Labcorp
Classification: Likely pathogenic. Last evaluated: 2024-01-30. Review status: criteria provided, single submitter. Criteria: Invitae Variant Classification Sherloc (09022015). Collection method: clinical testing. Allele origin: germline.
Comment: This sequence change affects an acceptor splice site in intron 4 of the GP6 gene. It is expected to disrupt RNA splicing. Variants that disrupt the donor or acceptor splice site typically lead to a loss of protein function (PMID: 16199547), and loss-of-function variants in GP6 are known to be pathogenic (PMID: 16139873, 23815599). This variant is present in population databases (rs202143645, gnomAD no frequency). This variant has not been reported in the literature in individuals affected with GP6-related conditions. Algorithms developed to predict the effect of sequence changes on RNA splicing suggest that this variant may disrupt the consensus splice site. In summary, the currently available evidence indicates that the variant is pathogenic, but additional data are needed to prove that conclusively. Therefore, this variant has been classified as Likely Pathogenic.

Literature cited by the submitters: PubMed 16199547; PubMed 16139873; PubMed 23815599.